The following is an entry in ClinVar:

ClinVar aggregate classification (germline): Likely benign (1 of 4 stars; one submission).

Conditions:
ADCY3-related disorder. Also called: ADCY3-related condition.

gnomAD v4.1: 3 of 1,613,388 alleles (0.00019%); highest among the groups gnomAD compares: Admixed American, 0.0017%; no homozygotes.

Submission:

PreventionGenetics, part of Exact Sciences
Classification: Likely benign for ADCY3-related condition. Last evaluated: 2026-07-12. Review status: criteria provided, single submitter. Criteria: ACMG Guidelines, 2015. Collection method: clinical testing. Allele origin: germline.
Comment: This variant is classified as likely benign based on ACMG/AMP sequence variant interpretation guidelines (Richards et al. 2015 PMID: 25741868, with internal and published modifications).

NM_004036.5(ADCY3):c.676-3C>T

Gene: ADCY3 (adenylate cyclase 3; minus strand). Cytogenetic location: 2p23.3.
Variant type: single nucleotide variant.
Coding change: c.676-3C>T on transcript NM_004036.5 (MANE Select); 3 bases into the intron before coding-DNA position 676, C replaced by T.
Molecular consequence: intron variant.
Genome position (GRCh38, 1-based): chr2:24,872,722, G>A on the plus strand (C>T on the coding strand, the complement: ADCY3 is on the minus strand). VCF-style: chr2-24872722-G-A. GRCh37 (hg19) VCF-style: chr2-25095591-G-A.
Other names: c.676-3C>T (NM_001377130.1, NM_001377129.1, NM_001320613.2 and 2 more transcripts); c.-48-3C>T (NM_001377131.1).
Identifiers: ClinVar variation 4993866 (VCV004993866.1).